The following is an entry in ClinVar:

NM_032043.3(BRIP1):c.2833G>A (p.Glu945Lys)

Gene: BRIP1 (BRCA1 interacting DNA helicase 1; minus strand). Cytogenetic location: 17q23.2.
Variant type: single nucleotide variant.
Coding change: c.2833G>A on transcript NM_032043.3 (MANE Select); coding-DNA position 2833, G replaced by A.
Protein change: p.Glu945Lys; replaces glutamic acid 945 with lysine.
Molecular consequence: missense variant.
Genome position (GRCh38, 1-based): chr17:61,685,908, C>T on the plus strand (G>A on the coding strand, the complement: BRIP1 is on the minus strand). VCF-style: chr17-61685908-C-T. GRCh37 (hg19) VCF-style: chr17-59763269-C-T.
Other names: short protein forms E945K.
Identifiers: ClinVar variation 650224 (VCV000650224.9), dbSNP rs863224802, ClinGen allele CA400481403.

ClinVar aggregate classification (germline): Uncertain significance (1 of 4 stars; one submission).

Conditions:
Familial cancer of breast. Also called: hereditary breast carcinoma; BREAST CANCER, FAMILIAL; Hereditary breast cancer. Identifiers: Orphanet 227535, MedGen C0346153, MONDO:0016419, OMIM 114480. Disease mechanism: loss of function.
Fanconi anemia complementation group J. Also called: BRIP1-Related Fanconi Anemia. Identifiers: Orphanet 84, MedGen C1836860, MONDO:0012187, OMIM 609054.

Submission:

Labcorp Genetics (formerly Invitae), Labcorp
Classification: Uncertain significance for Familial cancer of breast; Fanconi anemia complementation group J. Last evaluated: 2018-10-14. Review status: criteria provided, single submitter. Criteria: Invitae Variant Classification Sherloc (09022015). Collection method: clinical testing. Allele origin: germline.
Comment: This sequence change replaces glutamic acid with lysine at codon 945 of the BRIP1 protein (p.Glu945Lys). The glutamic acid residue is moderately conserved and there is a small physicochemical difference between glutamic acid and lysine. This variant is not present in population databases (ExAC no frequency). This variant has not been reported in the literature in individuals with BRIP1-related disease. Algorithms developed to predict the effect of missense changes on protein structure and function are either unavailable or do not agree on the potential impact of this missense change (SIFT: "Deleterious"; PolyPhen-2: "Benign"; Align-GVGD: "Class C0"). In summary, the available evidence is currently insufficient to determine the role of this variant in disease. Therefore, it has been classified as a Variant of Uncertain Significance.